The following is an entry in ClinVar:

ClinVar aggregate classification (germline): Uncertain significance. Review status: criteria provided, multiple submitters, no conflicts (2 of 4 stars). 2 submissions from 2 submitters: Uncertain significance (2). Last evaluated 2025-07-12.

Conditions:
Neonatal-onset encephalopathy with rigidity and seizures. Also called: Lethal neonatal spasticity-epileptic encephalopathy syndrome. Identifiers: Orphanet 435845, MedGen C3281029, MONDO:0013784, OMIM 614498.
Inborn genetic diseases. Identifiers: MedGen C0950123, MeSH D030342.

Allele frequency attached by ClinVar (database versions not stated): gnomAD exomes 0.00001.

Submissions (2):

Ambry Genetics
Classification: Uncertain significance for Inborn genetic diseases. Last evaluated: 2025-07-12. Review status: criteria provided, single submitter. Criteria: Ambry Variant Classification Scheme 2023. Collection method: clinical testing. Allele origin: germline.

Labcorp Genetics (formerly Invitae), Labcorp
Classification: Uncertain significance for Neonatal-onset encephalopathy with rigidity and seizures. Last evaluated: 2021-08-07. Review status: criteria provided, single submitter. Criteria: Invitae Variant Classification Sherloc (09022015). Collection method: clinical testing. Allele origin: germline.
Comment: In summary, the available evidence is currently insufficient to determine the role of this variant in disease. Therefore, it has been classified as a Variant of Uncertain Significance. Algorithms developed to predict the effect of missense changes on protein structure and function (SIFT, PolyPhen-2, Align-GVGD) all suggest that this variant is likely to be disruptive. This variant has not been reported in the literature in individuals affected with BRAT1-related conditions. This variant is not present in population databases (ExAC no frequency). This sequence change replaces glycine with aspartic acid at codon 126 of the BRAT1 protein (p.Gly126Asp). The glycine residue is highly conserved and there is a moderate physicochemical difference between glycine and aspartic acid.

NM_152743.4(BRAT1):c.377G>A (p.Gly126Asp)

Gene: BRAT1 (BRCA1 associated ATM activator 1; minus strand). Cytogenetic location: 7p22.3.
Variant type: single nucleotide variant.
Coding change: c.377G>A on transcript NM_152743.4 (MANE Select); coding-DNA position 377, G replaced by A.
Protein change: p.Gly126Asp; replaces glycine 126 with aspartic acid.
Molecular consequence: missense variant. On other transcripts: non-coding transcript variant (1), intron variant (1).
Genome position (GRCh38, 1-based): chr7:2,544,962, C>T on the plus strand (G>A on the coding strand, the complement: BRAT1 is on the minus strand). VCF-style: chr7-2544962-C-T. GRCh37 (hg19) VCF-style: chr7-2584596-C-T.
Other names: c.377G>A (NM_152743.3); c.377G>A, p.Gly126Asp (NM_001350626.2); c.-95-1000G>A (NM_001350627.2); short protein forms G126D.
Identifiers: ClinVar variation 1471087 (VCV001471087.7), dbSNP rs1779489866, ClinGen allele CA366632851.
Genomic context (GRCh38, chr7:2,544,962, plus strand): 5'-CACTCACCATGGTCGGCCAGGAAGCGCAGGGCGCTGGGGTGCTGTGCCAGGGAGCGCAGG[C>T]CCTGGATCCAGCCGCTGCGCACGGTGGGGACGGCCCAGGTTGCTCGGCCGAGGGGTCCTG-3'
Protein context (NP_689956.2, residues 116-136): VPTVRSGWIQ[Gly126Asp]LRSLAQHPSA